The following is an entry in ClinVar:

ClinVar aggregate classification (germline): Uncertain significance (1 of 4 stars; one submission).

Conditions:
Cardiovascular phenotype. Identifiers: MedGen CN230736.

Allele frequency attached by ClinVar (database versions not stated): gnomAD exomes below 0.00001; TOPMed 0.00001.
gnomAD v4.1: 3 of 1,614,176 alleles (0.00019%); highest among the groups gnomAD compares: Non-Finnish European, 0.00025%; no homozygotes.

Submission:

Ambry Genetics
Classification: Uncertain significance for Cardiovascular phenotype. Last evaluated: 2024-02-26. Review status: criteria provided, single submitter. Criteria: Ambry Variant Classification Scheme 2023. Collection method: clinical testing. Allele origin: germline.
Comment: The p.Q4065H variant (also known as c.12195G>T), located in coding exon 20 of the ALMS1 gene, results from a G to T substitution at nucleotide position 12195. The glutamine at codon 4065 is replaced by histidine, an amino acid with highly similar properties. This amino acid position is well conserved in available vertebrate species. In addition, the in silico prediction for this alteration is inconclusive. Based on the available evidence, the clinical significance of this alteration remains unclear.

NM_001378454.1(ALMS1):c.12192G>T (p.Gln4064His)

Genes: ALMS1 (ALMS1 centrosome and basal body associated protein; plus strand), LOC126806252 (BRD4-independent group 4 enhancer GRCh37_chr2:73828496-73829695; plus strand). Cytogenetic location: 2p13.1.
Variant type: single nucleotide variant.
Coding change: c.12192G>T on transcript NM_001378454.1 (MANE Select); coding-DNA position 12192, G replaced by T.
Protein change: p.Gln4064His; replaces glutamine 4064 with histidine.
Molecular consequence: missense variant.
Genome position (GRCh38, 1-based): chr2:73,602,262, G>T. VCF-style: chr2-73602262-G-T. GRCh37 (hg19) VCF-style: chr2-73829389-G-T.
Other names: c.12195G>T, p.Gln4065His (NM_015120.4); short protein forms Q4064H, Q4065H.
Identifiers: ClinVar variation 1752348 (VCV001752348.2), dbSNP rs1675711804, ClinGen allele CA347268049.
Genomic context (GRCh38, chr2:73,602,262, plus strand): 5'-CAGACCTGACTTCATCTCCCGCTCTGGGGAGCGGATAAAGCGCCTGAAGTTAATAGTCCA[G>T]GAGAGGAAGCTGCAGAGCATGTTACAGACCGAGCGGGATGCACTATTCAACATTGACAGG-3'
Protein context (NP_001365383.1, residues 4054-4074): ERIKRLKLIV[Gln4064His]ERKLQSMLQT